The following is an entry in ClinVar:

NM_001165963.4(SCN1A):c.3817G>C (p.Ala1273Pro)

Genes: SCN1A (sodium voltage-gated channel alpha subunit 1; minus strand), LOC102724058 (uncharacterized LOC102724058; plus strand). Cytogenetic location: 2q24.3.
Variant type: single nucleotide variant.
Coding change: c.3817G>C on transcript NM_001165963.4 (MANE Select); coding-DNA position 3817, G replaced by C.
Protein change: p.Ala1273Pro; replaces alanine 1273 with proline.
Molecular consequence: missense variant. On other transcripts: non-coding transcript variant (1).
Genome position (GRCh38, 1-based): chr2:166,012,171, C>G on the plus strand (G>C on the coding strand, the complement: SCN1A is on the minus strand). VCF-style: chr2-166012171-C-G. GRCh37 (hg19) VCF-style: chr2-166868681-C-G.
Other names: c.3733G>C, p.Ala1245Pro (NM_001165964.3, NM_001353957.2, NM_001353958.2); c.3817G>C, p.Ala1273Pro (NM_001202435.3, NM_001353948.2); c.3784G>C, p.Ala1262Pro (NM_001353949.2, NM_001353950.2, NM_001353951.2 and 2 more transcripts); c.3781G>C, p.Ala1261Pro (NM_001353954.2, NM_001353955.2); c.3730G>C, p.Ala1244Pro (NM_001353960.2); c.1375G>C, p.Ala459Pro (NM_001353961.2); short protein forms A1262P, A1273P, A459P, A1244P, A1245P, A1261P.
Identifiers: ClinVar variation 93647 (VCV000093647.48), dbSNP rs398123592, ClinGen allele CA221583.

ClinVar aggregate classification (germline): Conflicting classifications of pathogenicity. Review status: criteria provided, conflicting classifications (1 of 4 stars). 3 submissions from 3 submitters: Likely pathogenic (2); Uncertain significance (1). Last evaluated 2023-03-15.

Conditions:
Early-infantile DEE. Also called: Early infantile epileptic encephalopathy with suppression bursts; Ohtahara syndrome; Early infantile epileptic encephalopathy. Identifiers: Orphanet 1934, MedGen C0393706, MONDO:0800491.

Submissions (3):

Labcorp Genetics (formerly Invitae), Labcorp
Classification: Likely pathogenic for Early-infantile DEE. Last evaluated: 2023-03-15. Review status: criteria provided, single submitter. Criteria: Invitae Variant Classification Sherloc (09022015). Collection method: clinical testing. Allele origin: germline.
Comment: In summary, the currently available evidence indicates that the variant is pathogenic, but additional data are needed to prove that conclusively. Therefore, this variant has been classified as Likely Pathogenic. This variant disrupts the p.Ala1273 amino acid residue in SCN1A. Other variant(s) that disrupt this residue have been determined to be pathogenic (PMID: 27582020, 32090326, 32139178). This suggests that this residue is clinically significant, and that variants that disrupt this residue are likely to be disease-causing. Advanced modeling of protein sequence and biophysical properties (such as structural, functional, and spatial information, amino acid conservation, physicochemical variation, residue mobility, and thermodynamic stability) performed at Invitae indicates that this missense variant is expected to disrupt SCN1A protein function. ClinVar contains an entry for this variant (Variation ID: 93647). This variant has not been reported in the literature in individuals affected with SCN1A-related conditions. This variant is not present in population databases (gnomAD no frequency). This sequence change replaces alanine, which is neutral and non-polar, with proline, which is neutral and non-polar, at codon 1273 of the SCN1A protein (p.Ala1273Pro).

CeGaT Center for Human Genetics Tuebingen
Classification: Likely pathogenic. Last evaluated: 2019-05-01. Review status: criteria provided, single submitter. Criteria: CeGaT Center For Human Genetics Tuebingen Variant Classification Criteria Version 2. Collection method: clinical testing. Allele origin: germline. Affected: yes. Observed: 1 variant allele.

Eurofins Ntd Llc (ga)
Classification: Uncertain significance. Last evaluated: 2016-09-29. Review status: criteria provided, single submitter. Criteria: EGL Classification Definitions 2015. Collection method: clinical testing. Allele origin: germline. Observed: 1 variant allele, 1 heterozygote.

Literature cited by the submitters: PubMed 27582020 (cited by Labcorp Genetics (formerly Invitae), Labcorp); PubMed 32090326 (cited by Labcorp Genetics (formerly Invitae), Labcorp); PubMed 32139178 (cited by Labcorp Genetics (formerly Invitae), Labcorp).